The following is an entry in ClinVar:

NM_005529.7(HSPG2):c.1211-3del

Gene: HSPG2 (heparan sulfate proteoglycan 2; minus strand). Cytogenetic location: 1p36.12.
Variant type: Deletion.
Coding change: c.1211-3del on transcript NM_005529.7 (MANE Select); 3 bases into the intron before coding-DNA position 1211, one base deleted (C; older notation c.1211-3delC).
Molecular consequence: intron variant.
Genome position (GRCh38, 1-based): chr1:21,885,160, G deleted on the plus strand (C on the coding strand, the reverse complement: HSPG2 is on the minus strand). VCF-style (leftmost placement, unchanged base first): chr1-21885159-TG-T. GRCh37 (hg19) VCF-style: chr1-22211652-TG-T.
Other names: c.1211-3del (NM_001291860.2).
Identifiers: ClinVar variation 4810562 (VCV004810562.1).

ClinVar aggregate classification (germline): Uncertain significance (1 of 4 stars; one submission).

Submission:

Labcorp Genetics (formerly Invitae), Labcorp
Classification: Uncertain significance. Last evaluated: 2025-10-08. Review status: criteria provided, single submitter. Criteria: Invitae Variant Classification Sherloc (09022015). Collection method: clinical testing. Allele origin: germline.
Comment: This sequence change falls in intron 10 of the HSPG2 gene. It does not directly change the encoded amino acid sequence of the HSPG2 protein. It affects a nucleotide within the consensus splice site. This variant is present in population databases (rs753673630, gnomAD 0.02%). This variant has not been reported in the literature in individuals affected with HSPG2-related conditions. Experimental studies and prediction algorithms are not available or were not evaluated, and the functional significance of this variant is currently unknown. Variants that disrupt the consensus splice site are a relatively common cause of aberrant splicing (PMID: 17576681, 9536098). Algorithms developed to predict the effect of sequence changes on RNA splicing suggest that this variant is not likely to affect RNA splicing. In summary, the available evidence is currently insufficient to determine the role of this variant in disease. Therefore, it has been classified as a Variant of Uncertain Significance.

Literature cited by the submitters: PubMed 17576681; PubMed 9536098.